The following is an entry in ClinVar:

NM_000083.3(CLCN1):c.2233A>G (p.Asn745Asp)

Gene: CLCN1 (chloride voltage-gated channel 1; plus strand). Cytogenetic location: 7q34.
Variant type: single nucleotide variant.
Coding change: c.2233A>G on transcript NM_000083.3 (MANE Select); coding-DNA position 2233, A replaced by G.
Protein change: p.Asn745Asp; replaces asparagine 745 with aspartic acid.
Molecular consequence: missense variant. On other transcripts: non-coding transcript variant (1).
Genome position (GRCh38, 1-based): chr7:143,346,200, A>G. VCF-style: chr7-143346200-A-G. GRCh37 (hg19) VCF-style: chr7-143043293-A-G.
Other names: short protein forms N745D.
Identifiers: ClinVar variation 1474588 (VCV001474588.6), dbSNP rs745586869, ClinGen allele CA4537595.

ClinVar aggregate classification (germline): Uncertain significance. Review status: criteria provided, multiple submitters, no conflicts (2 of 4 stars). 2 submissions from 2 submitters: Uncertain significance (2). Last evaluated 2022-11-08.

Conditions:
Congenital myotonia, autosomal recessive form. Also called: Becker Generalized Myotonia; BECKER DISEASE; myotonia congenita, autosomal recessive. Identifiers: Orphanet 614, MedGen C0751360, MONDO:0009715, OMIM 255700.
Congenital myotonia, autosomal dominant form (THD). Also called: THOMSEN DISEASE; Myotonia congenita autosomal dominant. Identifiers: Orphanet 614, MedGen C2936781, MONDO:0008055, OMIM 160800.

Allele frequency attached by ClinVar (database versions not stated): gnomAD exomes 0.00001; TOPMed 0.00001; ExAC 0.00002.
gnomAD v4.1: 2 of 1,613,884 alleles (0.00012%); highest among the groups gnomAD compares: Admixed American, 0.0033%; no homozygotes.

Submissions (2):

GeneDx
Classification: Uncertain significance. Last evaluated: 2022-11-08. Review status: criteria provided, single submitter. Criteria: GeneDx Variant Classification Process June 2021. Collection method: clinical testing. Allele origin: germline. Affected: yes.
Comment: Not observed at significant frequency in large population cohorts (gnomAD); In silico analysis supports that this missense variant does not alter protein structure/function; Has not been previously published as pathogenic or benign to our knowledge

Labcorp Genetics (formerly Invitae), Labcorp
Classification: Uncertain significance for Congenital myotonia, autosomal recessive form; Congenital myotonia, autosomal dominant form. Last evaluated: 2021-09-24. Review status: criteria provided, single submitter. Criteria: Invitae Variant Classification Sherloc (09022015). Collection method: clinical testing. Allele origin: germline.
Comment: This sequence change replaces asparagine with aspartic acid at codon 745 of the CLCN1 protein (p.Asn745Asp). The asparagine residue is moderately conserved and there is a small physicochemical difference between asparagine and aspartic acid. This variant is present in population databases (rs745586869, ExAC 0.02%). This variant has not been reported in the literature in individuals with CLCN1-related conditions. Advanced modeling of protein sequence and biophysical properties (such as structural, functional, and spatial information, amino acid conservation, physicochemical variation, residue mobility, and thermodynamic stability) performed at Invitae indicates that this missense variant is not expected to disrupt CLCN1 protein function. In summary, the available evidence is currently insufficient to determine the role of this variant in disease. Therefore, it has been classified as a Variant of Uncertain Significance.